The following is an entry in ClinVar:

ClinVar aggregate classification (germline): Likely benign. Review status: criteria provided, multiple submitters, no conflicts (2 of 4 stars). 2 submissions from 2 submitters: Likely benign (2). Last evaluated 2025-11-26.

Conditions:
Pheochromocytoma/paraganglioma syndrome 3. Also called: GLOMUS TUMORS, FAMILIAL, 3; SDHC-Related Hereditary Paraganglioma-Pheochromocytoma Syndrome (Paragangliomas 3); SDHC-Related Hereditary Paraganglioma-Pheochromocytoma Syndrome; Paragangliomas 3. Identifiers: Orphanet 29072, MedGen C1854336, MONDO:0011544, OMIM 605373.
Gastrointestinal stromal tumor. Also called: Gastrointestinal stroma tumor; Gastrointestinal stromal tumor, somatic. Identifiers: Orphanet 44890, MedGen C0238198, MeSH D046152, MONDO:0011719, OMIM 606764, HP:0100723.
Hereditary pheochromocytoma and paraganglioma. Also called: Hereditary pheochromocytoma-paraganglioma; Hereditary Paraganglioma-Pheochromocytoma Syndromes; Hereditary paragangliomas and pheochromocytomas. Identifiers: Orphanet 29072, MedGen C4274332, MONDO:0017366.

Allele frequency attached by ClinVar (database versions not stated): gnomAD exomes below 0.00001; ExAC 0.00001; gnomAD 0.00001; TOPMed 0.00001.
gnomAD v4.1: 3 of 1,576,050 alleles (0.00019%); highest among the groups gnomAD compares: Admixed American, 0.0033%; no homozygotes.

Submissions (2):

Labcorp Genetics (formerly Invitae), Labcorp
Classification: Likely benign for Pheochromocytoma/paraganglioma syndrome 3; Gastrointestinal stromal tumor. Last evaluated: 2025-11-26. Review status: criteria provided, single submitter. Criteria: Invitae Variant Classification Sherloc (09022015). Collection method: clinical testing. Allele origin: germline.

All of Us Research Program, National Institutes of Health
Classification: Likely benign for Hereditary pheochromocytoma and paraganglioma. Last evaluated: 2023-12-18. Review status: criteria provided, single submitter. Criteria: ACMG Guidelines, 2015. Collection method: clinical testing. Allele origin: germline. Inheritance: Autosomal dominant inheritance. Observed: 1 variant allele, 1 heterozygote.
Comment: This study involves interpretation of variants in research participants for the purpose of population health screening. Participant phenotype was not available at the time of variant classification. Additional details can be found in publication PMID: 35346344, PMCID: PMC8962531

NM_003001.5(SDHC):c.78-15C>T

Gene: SDHC (succinate dehydrogenase complex subunit C; plus strand). Cytogenetic location: 1q23.3.
Variant type: single nucleotide variant.
Coding change: c.78-15C>T on transcript NM_003001.5 (MANE Select); 15 bases into the intron before coding-DNA position 78, C replaced by T.
Molecular consequence: intron variant.
Genome position (GRCh38, 1-based): chr1:161,328,381, C>T. VCF-style: chr1-161328381-C-T. GRCh37 (hg19) VCF-style: chr1-161298171-C-T.
Other names: c.-34-15C>T (NM_001407119.1, NM_001407120.1); c.78-15C>T (NM_001407115.1, NM_001035511.3); c.77+4711C>T (NM_001035512.3, NM_001278172.3, NM_001407118.1); c.21-15C>T (NM_001407116.1, NM_001407121.1, NM_001407117.1); c.21-12213C>T (NM_001035513.3).
Identifiers: ClinVar variation 2142796 (VCV002142796.5), dbSNP rs751344752, ClinGen allele CA026536.